The following is an entry in ClinVar:

NM_020971.3(SPTBN4):c.1387G>A (p.Ala463Thr)

Gene: SPTBN4 (spectrin beta, non-erythrocytic 4; plus strand). Cytogenetic location: 19q13.2.
Variant type: single nucleotide variant.
Coding change: c.1387G>A on transcript NM_020971.3 (MANE Select); coding-DNA position 1387, G replaced by A.
Protein change: p.Ala463Thr; replaces alanine 463 with threonine.
Molecular consequence: missense variant.
Genome position (GRCh38, 1-based): chr19:40,503,854, G>A. VCF-style: chr19-40503854-G-A. GRCh37 (hg19) VCF-style: chr19-41009761-G-A.
Other names: short protein forms A463T.
Identifiers: ClinVar variation 1343917 (VCV001343917.4), dbSNP rs544695151, ClinGen allele CA9445630.

ClinVar aggregate classification (germline): Uncertain significance. Review status: criteria provided, multiple submitters, no conflicts (2 of 4 stars). 2 submissions from 2 submitters: Uncertain significance (2). Last evaluated 2025-08-11.

Conditions:
Inborn genetic diseases. Identifiers: MedGen C0950123, MeSH D030342.

Allele frequency attached by ClinVar (database versions not stated): ExAC 0.00003; 1000 Genomes Project 30x 0.00031; 1000 Genomes Project 0.00040.
gnomAD v4.1: 38 of 1,597,664 alleles (0.0024%); highest among the groups gnomAD compares: Admixed American, 0.04%; no homozygotes.

Submissions (2):

Ambry Genetics
Classification: Uncertain significance for Inborn genetic diseases. Last evaluated: 2025-08-11. Review status: criteria provided, single submitter. Criteria: Ambry Variant Classification Scheme 2023. Collection method: clinical testing. Allele origin: germline.

GeneDx
Classification: Uncertain significance. Last evaluated: 2023-04-20. Review status: criteria provided, single submitter. Criteria: GeneDx Variant Classification Process June 2021. Collection method: clinical testing. Allele origin: germline. Affected: yes.
Comment: Not observed at significant frequency in large population cohorts (gnomAD); In silico analysis supports that this missense variant has a deleterious effect on protein structure/function; Has not been previously published as pathogenic or benign to our knowledge